The following is an entry in ClinVar:

NM_004370.6(COL12A1):c.4560+8A>G

Gene: COL12A1 (collagen type XII alpha 1 chain; minus strand). Cytogenetic location: 6q13.
Variant type: single nucleotide variant.
Coding change: c.4560+8A>G on transcript NM_004370.6 (MANE Select); 8 bases into the intron after coding-DNA position 4560, A replaced by G.
Molecular consequence: intron variant.
Genome position (GRCh38, 1-based): chr6:75,146,094, T>C on the plus strand (A>G on the coding strand, the complement: COL12A1 is on the minus strand). VCF-style: chr6-75146094-T-C. GRCh37 (hg19) VCF-style: chr6-75855810-T-C.
Other names: c.1068+8A>G (NM_001424116.1, NM_080645.3); c.4287+8A>G (NM_001424115.1); c.4560+8A>G (NM_001424114.1, NM_001424113.1).
Identifiers: ClinVar variation 2948876 (VCV002948876.3), dbSNP rs759466858, ClinGen allele CA2740091412.

ClinVar aggregate classification (germline): Uncertain significance (1 of 4 stars; one submission).

Conditions:
Ullrich congenital muscular dystrophy 2 (UCMD2). Identifiers: Orphanet 75840, MedGen C4225314, MONDO:0014654, OMIM 616470.
Bethlem myopathy 2 (BTHLM2). Identifiers: Orphanet 536516, Orphanet 610, MedGen C4225313, MONDO:0034022, OMIM 616471.

Submission:

Labcorp Genetics (formerly Invitae), Labcorp
Classification: Uncertain significance for Bethlem myopathy 2; Ullrich congenital muscular dystrophy 2. Last evaluated: 2023-06-25. Review status: criteria provided, single submitter. Criteria: Invitae Variant Classification Sherloc (09022015). Collection method: clinical testing. Allele origin: germline.
Comment: In summary, the available evidence is currently insufficient to determine the role of this variant in disease. Therefore, it has been classified as a Variant of Uncertain Significance. Algorithms developed to predict the effect of sequence changes on RNA splicing suggest that this variant may disrupt the consensus splice site. This variant has not been reported in the literature in individuals affected with COL12A1-related conditions. This variant is not present in population databases (gnomAD no frequency). This sequence change falls in intron 24 of the COL12A1 gene. It does not directly change the encoded amino acid sequence of the COL12A1 protein.